The following is an entry in ClinVar:

NM_018489.3(ASH1L):c.3222_3223dup (p.Gln1075fs)

Gene: ASH1L (ASH1 like histone lysine methyltransferase; minus strand). Cytogenetic location: 1q22.
Variant type: Duplication.
Coding change: c.3222_3223dup on transcript NM_018489.3 (MANE Select); coding-DNA positions 3222 to 3223, 2 bases duplicated (GC; older notation c.3222_3223dupGC).
Protein change: p.Gln1075fs; shifts the reading frame from glutamine 1075.
Molecular consequence: frameshift variant.
Genome position (GRCh38, 1-based): chr1:155,479,647-155,479,648, GC duplicated on the plus strand (GC on the coding strand, the reverse complement: ASH1L is on the minus strand). VCF-style (leftmost placement, unchanged base first): chr1-155479646-T-TGC. GRCh37 (hg19) VCF-style: chr1-155449437-T-TGC.
Other names: c.3222_3223dup, p.Gln1075fs (NM_001366177.2); short protein forms Q1075fs.
Identifiers: ClinVar variation 3382386 (VCV003382386.2).
Genomic context (GRCh38, chr1:155,479,646, plus strand): 5'-GAAGGCAGTAATGGGGGAAGAATCTGTCCTAATGCTGACCCAGCTGCCTGTTGAGCTGTT[T>TGC]GCTCAAGAACAGCAAGGCTAGTAGGACTACCAGAAAGAATACCATTTAAGACAGTTTTTG-3'

ClinVar aggregate classification (germline): Likely pathogenic (1 of 4 stars; one submission).

Conditions:
Intellectual developmental disorder, autosomal dominant 52. Also called: Intellectual disability, autosomal dominant 52; Mental retardation, autosomal dominant 52. Identifiers: MedGen C4540478, MONDO:0030918, OMIM 617796.

Submission:

Juno Genomics, Hangzhou Juno Genomics, Inc
Classification: Likely pathogenic for Intellectual developmental disorder, autosomal dominant 52. Review status: criteria provided, single submitter. Criteria: ACMG Guidelines, 2015. Collection method: clinical testing. Allele origin: germline. Affected: yes.
Comment: Absent from controls (or at extremely low frequency if recessive) in Genome Aggregation Database, Exome Sequencing Project, 1000 Genomes Project, or Exome Aggregation Consortium.;Null variant in a gene where loss of function (LOF) is a known mechanism of disease.